The following is an entry in ClinVar:

NM_000271.5(NPC1):c.2373+7T>C

Gene: NPC1 (NPC intracellular cholesterol transporter 1; minus strand). Cytogenetic location: 18q11.2.
Variant type: single nucleotide variant.
Coding change: c.2373+7T>C on transcript NM_000271.5 (MANE Select); 7 bases into the intron after coding-DNA position 2373, T replaced by C.
Molecular consequence: intron variant.
Genome position (GRCh38, 1-based): chr18:23,541,299, A>G on the plus strand (T>C on the coding strand, the complement: NPC1 is on the minus strand). VCF-style: chr18-23541299-A-G. GRCh37 (hg19) VCF-style: chr18-21121263-A-G.
Identifiers: ClinVar variation 4796748 (VCV004796748.1).

ClinVar aggregate classification (germline): Likely pathogenic (1 of 4 stars; one submission).

Conditions:
Niemann-Pick disease, type A. Also called: SPHINGOMYELIN LIPIDOSIS; SPHINGOMYELINASE DEFICIENCY; Infantile Neurovisceral ASMD (Niemann-Pick Disease Type A; NPD-A). Identifiers: Orphanet 77292, MedGen C0268242, MONDO:0009756, OMIM 257200. Disease mechanism: loss of function.

Submission:

Foundation for Research in Genetics and Endocrinology, FRIGE's Institute of Human Genetics
Classification: Likely pathogenic for Niemann-Pick disease, type A. Last evaluated: 2025-09-03. Review status: criteria provided, single submitter. Criteria: ACMG Guidelines, 2015. Collection method: clinical testing. Allele origin: germline. Inheritance: Autosomal recessive inheritance. Affected: yes. Observed: 1 compound heterozygote.
Comment: A heterozygous 3’splice site variation in intron 15 of the NPC1 gene that affects the invariant AG acceptor splice site downstream of exon 15 was detected. The observed variant c.2373+7T>C has not been reported in the 1000 genomes and gnomAD databases. In summary, the variant meets our criteria to be classified as likely pathogenic.